The following is an entry in ClinVar:

ClinVar aggregate classification (germline): Uncertain significance (1 of 4 stars; one submission).

Conditions:
Cardiac arrhythmia. Also called: Cardiac rhythm disease; Arrhythmia. Identifiers: MedGen C0003811, MONDO:0007263, HP:0011675.

Submission:

Color Diagnostics, LLC DBA Color Health
Classification: Uncertain significance for Cardiac arrhythmia. Last evaluated: 2024-03-24. Review status: criteria provided, single submitter. Criteria: ACMG Guidelines, 2015. Collection method: clinical testing. Allele origin: germline.
Comment: This missense variant replaces arginine with glycine at codon 1033 of the KCNH2 protein. Computational prediction is inconclusive regarding the impact of this variant on protein structure and function (internally defined REVEL score threshold 0.5 < inconclusive < 0.7, PMID: 27666373). To our knowledge, functional studies have not been reported for this variant. This variant has not been reported in individuals affected with KCNH2-related disorders in the literature. This variant has not been identified in the general population by the Genome Aggregation Database (gnomAD). The available evidence is insufficient to determine the role of this variant in disease conclusively. Therefore, this variant is classified as a Variant of Uncertain Significance.

NM_000238.4(KCNH2):c.3097C>G (p.Arg1033Gly)

Gene: KCNH2 (potassium voltage-gated channel subfamily H member 2; minus strand). Cytogenetic location: 7q36.1.
Variant type: single nucleotide variant.
Coding change: c.3097C>G on transcript NM_000238.4 (MANE Select); coding-DNA position 3097, C replaced by G.
Protein change: p.Arg1033Gly; replaces arginine 1033 with glycine.
Molecular consequence: missense variant. On other transcripts: non-coding transcript variant (2).
Genome position (GRCh38, 1-based): chr7:150,947,383, G>C on the plus strand (C>G on the coding strand, the complement: KCNH2 is on the minus strand). VCF-style: chr7-150947383-G-C. GRCh37 (hg19) VCF-style: chr7-150644471-G-C.
Other names: c.2809C>G, p.Arg937Gly (NM_001406753.1); c.2077C>G, p.Arg693Gly (NM_172057.3); short protein forms R1033G, R693G, R937G.
Identifiers: ClinVar variation 3893725 (VCV003893725.1).
Genomic context (GRCh38, chr7:150,947,383, plus strand): 5'-CTCACCTGTTGAGCTGGCGCTGGAGGGCATCCAGCCTGCTCTCCACGTCGCCCCGGGGCC[G>C]CCGACCCGGGCTGGAGAGGGGGATGTTGAGGAGGCTGGGGGTGGGGGCGGGGCATCGAGG-3'
Protein context (NP_000229.1, residues 1023-1043): LNIPLSSPGR[Arg1033Gly]PRGDVESRLD